The following is an entry in ClinVar:

NM_000497.4(CYP11B1):c.1398+5G>C

Genes: CYP11B1 (cytochrome P450 family 11 subfamily B member 1; minus strand), LOC106799833 (CYP11B1 recombination region; plus strand). Cytogenetic location: 8q24.3.
Variant type: single nucleotide variant.
Coding change: c.1398+5G>C on transcript NM_000497.4 (MANE Select); 5 bases into the intron after coding-DNA position 1398, G replaced by C.
Molecular consequence: intron variant.
Genome position (GRCh38, 1-based): chr8:142,874,952, C>G on the plus strand (G>C on the coding strand, the complement: CYP11B1 is on the minus strand). VCF-style: chr8-142874952-C-G. GRCh37 (hg19) VCF-style: chr8-143956368-C-G.
Other names: c.1200+282G>C (NM_001026213.1).
Identifiers: ClinVar variation 585760 (VCV000585760.9), dbSNP rs1563867837, ClinGen allele CA891842739.

ClinVar aggregate classification (germline): Pathogenic/Likely pathogenic. Review status: criteria provided, multiple submitters, no conflicts (2 of 4 stars). 5 submissions from 5 submitters: Pathogenic (4); Likely pathogenic (1). Last evaluated 2025-11-21.

Conditions:
Congenital adrenal hyperplasia. Identifiers: Orphanet 418, MedGen C0001627, MONDO:0018479, HP:0008258.
Deficiency of steroid 11-beta-monooxygenase (CYP11B1). Also called: ADRENAL HYPERPLASIA, CONGENITAL, DUE TO STEROID 11-BETA-HYDROXYLASE DEFICIENCY; 11-BETA-HYDROXYLASE DEFICIENCY; ADRENAL HYPERPLASIA IV; P450C11B1 DEFICIENCY; STEROID 11-BETA-HYDROXYLASE DEFICIENCY; Congenital adrenal hyperplasia due to 11-beta-hydroxylase deficiency. Identifiers: Orphanet 90795, MedGen C0268292, MONDO:0008729, OMIM 202010. Disease mechanism: loss of function.

Submissions (5):

Myriad Genetics, Inc.
Classification: Likely pathogenic for Deficiency of steroid 11-beta-monooxygenase. Last evaluated: 2025-11-21. Review status: criteria provided, single submitter. Criteria: Myriad Autosomal Dominant, Autosomal Recessive and X-Linked Classification Criteria (2023). Collection method: clinical testing. Allele origin: unknown.
Comment: NM_000497.3(CYP11B1):c.1398+5G>C is an intronic variant classified as likely pathogenic in the context of congenital adrenal hyperplasia, CYP11B1-related. c.1398+5G>C has been observed in cases with relevant disease (PMID: 29626607, 32850530, 26956189, 31006099, 33830237). Relevant functional assessments of this variant are not available in the literature. c.1398+5G>C has not been observed in referenced population frequency databases. In summary, NM_000497.3(CYP11B1):c.1398+5G>C is an intronic variant in a gene where loss of function is a known mechanism of disease, is predicted to disrupt protein function, and has been observed more frequently in cases with the relevant disease than in healthy populations. Please note: this variant was assessed in the context of healthy population screening.

Athena Diagnostics
Classification: Pathogenic. Last evaluated: 2024-08-29. Review status: criteria provided, single submitter. Criteria: Athena Diagnostics Criteria. Collection method: clinical testing. Allele origin: unknown.
Comment: This variant has not been reported in large, multi-ethnic general populations. In multiple individuals, this variant has been seen with a single recessive pathogenic variant in the same gene including at least one case seen in trans, suggesting this variant may also be pathogenic. Computational tools yielded predictions that this variant may interfere with normal RNA splicing.

Baylor Genetics
Classification: Pathogenic for Deficiency of steroid 11-beta-monooxygenase. Last evaluated: 2024-01-30. Review status: criteria provided, single submitter. Criteria: ACMG Guidelines, 2015. Collection method: clinical testing. Allele origin: unknown.

Women's Health and Genetics/Laboratory Corporation of America, LabCorp
Classification: Pathogenic for Congenital adrenal hyperplasia. Last evaluated: 2023-09-01. Review status: criteria provided, single submitter. Criteria: LabCorp Variant Classification Summary - May 2015. Collection method: clinical testing. Allele origin: germline.
Comment: Variant summary: CYP11B1 c.1398+5G>C alters a conserved nucleotide located close to a canonical splice site and therefore could affect mRNA splicing, leading to a significantly altered protein sequence. Several computational tools predict a significant impact on normal splicing: Two predict the variant abolishes a canonical 5' splicing donor site and two predict the variant weakens this site. Three tools also predict the variant strengthens a cryptic 3' acceptor site. However, these predictions have yet to be confirmed by functional studies. The variant was absent in 248812 control chromosomes (gnomAD). c.1398+5G>C has been reported in the literature in multiple individuals affected with Congenital Adrenal Hyperplasia/11beta-hydroxylase deficiency (Kandemir_2017, Bas_2018, Dundar_2019, Zhou_2020), and some were reported as compound heterozygous with other (likely) pathogenic variants. These data indicate that the variant is very likely to be associated with disease. To our knowledge, no experimental evidence demonstrating an impact on protein function has been reported. The following publications have been ascertained in the context of this evaluation (PMID: 26956189, 31006099, 32850530, 29626607). One submitter has cited a clinical-significance assessment for this variant to ClinVar after 2014 and has classified the variant as uncertain significance. Based on the evidence outlined above, the variant was classified as pathogenic.

Labcorp Genetics (formerly Invitae), Labcorp
Classification: Pathogenic. Last evaluated: 2023-02-18. Review status: criteria provided, single submitter. Criteria: Invitae Variant Classification Sherloc (09022015). Collection method: clinical testing. Allele origin: germline.
Comment: This sequence change falls in intron 8 of the CYP11B1 gene. It does not directly change the encoded amino acid sequence of the CYP11B1 protein. It affects a nucleotide within the consensus splice site. This variant is not present in population databases (gnomAD no frequency). This variant has been observed in individual(s) with congenital adrenal hyperplasia due to 11β-hydroxylase deficiency (PMID: 26956189, 29626607, 32850530). In at least one individual the data is consistent with being in trans (on the opposite chromosome) from a pathogenic variant. ClinVar contains an entry for this variant (Variation ID: 585760). Variants that disrupt the consensus splice site are a relatively common cause of aberrant splicing (PMID: 17576681, 9536098). Algorithms developed to predict the effect of sequence changes on RNA splicing suggest that this variant may disrupt the consensus splice site. For these reasons, this variant has been classified as Pathogenic.

Literature cited by the submitters: PubMed 26956189 (cited by 4 submitters); PubMed 29626607 (cited by 4 submitters); PubMed 31006099 (cited by 3 submitters); PubMed 32850530 (cited by 4 submitters); PubMed 33830237 (cited by Myriad Genetics, Inc. and Athena Diagnostics); PubMed 28228528 (cited by Athena Diagnostics); PubMed 17576681 (cited by Labcorp Genetics (formerly Invitae), Labcorp); PubMed 9536098 (cited by Labcorp Genetics (formerly Invitae), Labcorp).